The following is an entry in ClinVar:

NM_015404.4(WHRN):c.1381A>C (p.Met461Leu)

Gene: WHRN (whirlin; minus strand). Cytogenetic location: 9q32.
Variant type: single nucleotide variant.
Coding change: c.1381A>C on transcript NM_015404.4 (MANE Select); coding-DNA position 1381, A replaced by C.
Protein change: p.Met461Leu; replaces methionine 461 with leucine.
Molecular consequence: missense variant.
Genome position (GRCh38, 1-based): chr9:114,424,369, T>G on the plus strand (A>C on the coding strand, the complement: WHRN is on the minus strand). VCF-style: chr9-114424369-T-G. GRCh37 (hg19) VCF-style: chr9-117186649-T-G.
Other names: c.232A>C, p.Met78Leu (NM_001083885.3); c.1381A>C, p.Met461Leu (NM_001173425.2); c.328A>C, p.Met110Leu (NM_001346890.1); short protein forms M461L, M78L, M110L.
Identifiers: ClinVar variation 504565 (VCV000504565.18), dbSNP rs144878400, ClinGen allele CA5205980.
Genomic context (GRCh38, chr9:114,424,369, plus strand): 5'-AGTTGGGAGGCAGGGCACGGGTCACCTTGGCGTGGGTGTTGAGCAGCTTGAACAGGGCCA[T>G]GACGAGGGCCTCCACAGAGACGCTGCCACCACGGTACTCATCCAGGTAGTAGGCCATGGT-3'
Protein context (NP_056219.3, residues 451-471): GGSVSVEALV[Met461Leu]ALFKLLNTHA

ClinVar aggregate classification (germline): Conflicting classifications of pathogenicity. Review status: criteria provided, conflicting classifications (1 of 4 stars). 7 submissions from 6 submitters: Uncertain significance (6); Likely benign (1). Last evaluated 2026-10-06.

Conditions:
Autosomal recessive nonsyndromic hearing loss 31. Also called: WHIRLER, MOUSE, HOMOLOG OF. Identifiers: Orphanet 90636, MedGen C1846839, MONDO:0011767, OMIM 607084.
Usher syndrome type 2D. Also called: USHER SYNDROME, TYPE IID. Identifiers: Orphanet 231178, Orphanet 886, MedGen C1568249, MONDO:0012662, OMIM 611383.

Allele frequency attached by ClinVar (database versions not stated): gnomAD exomes 0.00030; TOPMed 0.00025; gnomAD 0.00023; ExAC 0.00044.
gnomAD v4.1: 628 of 1,612,202 alleles (0.039%); highest among the groups gnomAD compares: Non-Finnish European, 0.051%; no homozygotes.

Submissions (7):

GeneDx
Classification: Uncertain significance. Last evaluated: 2026-10-06. Review status: criteria provided, single submitter. Criteria: GeneDx Variant Classification Process June 2021. Collection method: clinical testing. Allele origin: germline.
Comment: In silico analysis suggests that this missense variant does not alter protein structure/function; Has not been previously published as pathogenic or benign to our knowledge

Blueprint Genetics
Classification: Likely benign. Last evaluated: 2024-10-17. Review status: criteria provided, single submitter. Criteria: ACMG Guidelines, 2015. Collection method: clinical testing. Allele origin: germline.

Mayo Clinic Laboratories, Mayo Clinic
Classification: Uncertain significance. Last evaluated: 2023-11-20. Review status: criteria provided, single submitter. Criteria: ACMG Guidelines, 2015. Collection method: clinical testing. Allele origin: germline. Observed: 1 variant allele.
Comment: BP4, PM2_moderate

Labcorp Genetics (formerly Invitae), Labcorp
Classification: Uncertain significance. Last evaluated: 2022-07-05. Review status: criteria provided, single submitter. Criteria: Invitae Variant Classification Sherloc (09022015). Collection method: clinical testing. Allele origin: germline.
Comment: This sequence change replaces methionine, which is neutral and non-polar, with leucine, which is neutral and non-polar, at codon 461 of the WHRN protein (p.Met461Leu). This variant is present in population databases (rs144878400, gnomAD 0.06%). This variant has not been reported in the literature in individuals affected with WHRN-related conditions. ClinVar contains an entry for this variant (Variation ID: 504565). Algorithms developed to predict the effect of missense changes on protein structure and function (SIFT, PolyPhen-2, Align-GVGD) all suggest that this variant is likely to be tolerated. In summary, the available evidence is currently insufficient to determine the role of this variant in disease. Therefore, it has been classified as a Variant of Uncertain Significance.

Illumina Laboratory Services, Illumina
Classification: Uncertain significance for Autosomal recessive nonsyndromic hearing loss 31. Last evaluated: 2018-01-13. Review status: criteria provided, single submitter. Criteria: ICSL Variant Classification Criteria 13 December 2019. Collection method: clinical testing. Allele origin: germline.

Illumina Laboratory Services, Illumina
Classification: Uncertain significance for Usher syndrome type 2D. Last evaluated: 2018-01-13. Review status: criteria provided, single submitter. Criteria: ICSL Variant Classification Criteria 13 December 2019. Collection method: clinical testing. Allele origin: germline.

Laboratory for Molecular Medicine, Mass General Brigham Personalized Medicine
Classification: Uncertain significance. Last evaluated: 2017-08-15. Review status: criteria provided, single submitter. Criteria: LMM Criteria. Collection method: clinical testing. Allele origin: germline. Observed: 2 variant alleles.
Comment: The p.Met461Leu variant in WHRN has not been previously reported in individuals with hearing loss, but has been identified in 74/126578 of European chromosomes by the Genome Aggregation Database (gnomAD; d bSNP rs144878400). However, this frequency is not high enough to rule out pathog enicity. Computational prediction tools and conservation analysis suggest that t his variant may not impact the protein, though this information is not predictiv e enough to rule out pathogenicity. In summary, the clinical significance of the p.Met461Leu variant is uncertain. ACMG/AMP Criteria applied: BP4.